The following is an entry in ClinVar:

ClinVar aggregate classification (germline): Pathogenic/Likely pathogenic. Review status: criteria provided, multiple submitters, no conflicts (2 of 4 stars). 2 submissions from 2 submitters: Pathogenic (1); Likely pathogenic (1). Last evaluated 2024-03-05.

Conditions:
Polycystic kidney disease, adult type (PKD1). Also called: POLYCYSTIC KIDNEY DISEASE, ADULT, TYPE I; Polycystic Kidney Disease 1, Autosomal Dominant; Polycystic kidney disease 1; Polycystic kidney disease 1, severe; POLYCYSTIC KIDNEY DISEASE 1 WITH OR WITHOUT POLYCYSTIC LIVER DISEASE; Polycystic Kidney, Autosomal Dominant. Identifiers: MedGen C3149841, MONDO:0008263, OMIM 173900.
PKD1-related disorder. Also called: PKD1-related condition.

Submissions (2):

Blueprint Genetics
Classification: Likely pathogenic for PKD1-related disorders. Last evaluated: 2024-03-05. Review status: criteria provided, single submitter. Criteria: ACMG Guidelines, 2015. Collection method: clinical testing. Allele origin: germline. Affected: yes. Observed: 1 variant allele.

Juno Genomics, Hangzhou Juno Genomics, Inc
Classification: Pathogenic for Polycystic kidney disease, adult type. Review status: criteria provided, single submitter. Criteria: ACMG Guidelines, 2015. Collection method: clinical testing. Allele origin: germline. Affected: yes.
Comment: Absent from controls (or at extremely low frequency if recessive) in Genome Aggregation Database, Exome Sequencing Project, 1000 Genomes Project, or Exome Aggregation Consortium.;Null variant in a gene where loss of function (LOF) is a known mechanism of disease.;Patient's phenotype or family history is highly specific for a disease with a single genetic etiology.

NM_001009944.3(PKD1):c.9964dup (p.Thr3322fs)

Gene: PKD1 (polycystin 1, transient receptor potential channel interacting; minus strand). Cytogenetic location: 16p13.3.
Variant type: Duplication.
Coding change: c.9964dup on transcript NM_001009944.3 (MANE Select); coding-DNA position 9964, one base duplicated (A; older notation c.9964dupA).
Protein change: p.Thr3322fs; shifts the reading frame from threonine 3322.
Molecular consequence: frameshift variant.
Genome position (GRCh38, 1-based): chr16:2,099,730, T duplicated on the plus strand (A on the coding strand, the reverse complement: PKD1 is on the minus strand). VCF-style (leftmost placement, unchanged base first): chr16-2099729-G-GT. GRCh37 (hg19) VCF-style: chr16-2149730-G-GT.
Other names: c.9964dup, p.Thr3322fs (NM_000296.4); short protein forms T3322fs.
Identifiers: ClinVar variation 3335880 (VCV003335880.3).
Genomic context (GRCh38, chr16:2,099,729, plus strand): 5'-AAAAGGATGGCCAGGTAGACGGGATAGACAACCACGCTGGACACCAGGCCAACAGCGACT[G>GT]TGTCGACGCTCAGCGGGCTCAGCCTGGACACATGCCCCGTGCTGTGTGGAGGAGAGGAGG-3'